The following is an entry in ClinVar:

ClinVar aggregate classification (germline): Uncertain significance. Review status: criteria provided, multiple submitters, no conflicts (2 of 4 stars). 2 submissions from 2 submitters: Uncertain significance (2). Last evaluated 2023-09-26.

Conditions:
Connective tissue disorder. Also called: Connective tissue disease. Identifiers: MedGen C0009782, MONDO:0003900.
Familial thoracic aortic aneurysm and aortic dissection (TAAD). Also called: Thoracic aortic aneurysms and dissections. Identifiers: Orphanet 91387, MedGen C4707243, MONDO:0019625.

Allele frequency attached by ClinVar (database versions not stated): TOPMed below 0.00001.

Submissions (2):

Ambry Genetics
Classification: Uncertain significance for Familial thoracic aortic aneurysm and aortic dissection. Last evaluated: 2023-09-26. Review status: criteria provided, single submitter. Criteria: Ambry Variant Classification Scheme 2023. Collection method: clinical testing. Allele origin: germline.
Comment: The p.P100S variant (also known as c.298C>T), located in coding exon 1 of the PRKG1 gene, results from a C to T substitution at nucleotide position 298. The proline at codon 100 is replaced by serine, an amino acid with similar properties. This amino acid position is highly conserved in available vertebrate species. In addition, the in silico prediction for this alteration is inconclusive. Since supporting evidence is limited at this time, the clinical significance of this alteration remains unclear.

Center for Human Genetics, Inc
Classification: Uncertain significance for Connective tissue disorder. Last evaluated: 2016-11-01. Review status: criteria provided, single submitter. Criteria: ACMG Guidelines, 2015. Collection method: clinical testing. Allele origin: germline. Affected: yes.

NM_006258.4(PRKG1):c.298C>T (p.Pro100Ser)

Gene: PRKG1 (protein kinase cGMP-dependent 1; plus strand). Cytogenetic location: 10q11.23.
Variant type: single nucleotide variant.
Coding change: c.298C>T on transcript NM_006258.4 (MANE Select); coding-DNA position 298, C replaced by T.
Protein change: p.Pro100Ser; replaces proline 100 with serine.
Molecular consequence: missense variant. On other transcripts: intron variant (1).
Genome position (GRCh38, 1-based): chr10:51,074,888, C>T. VCF-style: chr10-51074888-C-T. GRCh37 (hg19) VCF-style: chr10-52834648-C-T.
Other names: c.298C>T, p.Pro100Ser (LRG_1135t1); c.267-78276C>T (LRG_1135t2, NM_001098512.3); short protein forms P100S.
Identifiers: ClinVar variation 547756 (VCV000547756.2), dbSNP rs1554833919, ClinGen allele CA376827272.